The following is an entry in ClinVar:

NM_015937.6(PIGT):c.400del (p.Leu134fs)

Gene: PIGT (phosphatidylinositol glycan anchor biosynthesis class T; plus strand). Cytogenetic location: 20q13.12.
Variant type: Deletion.
Coding change: c.400del on transcript NM_015937.6 (MANE Select); coding-DNA position 400, one base deleted (C; older notation c.400delC).
Protein change: p.Leu134fs; shifts the reading frame from leucine 134.
Molecular consequence: frameshift variant. On other transcripts: non-coding transcript variant (3), intron variant (2).
Genome position (GRCh38, 1-based): chr20:45,418,886, C deleted; the last of 2 consecutive C bases (chr20:45,418,885-45,418,886); deleting either gives the same sequence. VCF-style (leftmost placement, unchanged base first): chr20-45418884-TC-T. GRCh37 (hg19) VCF-style: chr20-44047524-TC-T.
Other names: c.400del, p.Leu134fs (NM_001184729.3); c.326-409del (NM_001184728.3); c.188-409del (NM_001184730.3); short protein forms L134fs.
Identifiers: ClinVar variation 4852206 (VCV004852206.1).

ClinVar aggregate classification (germline): Likely pathogenic (1 of 4 stars; one submission).

Conditions:
Multiple congenital anomalies-hypotonia-seizures syndrome 3 (MCAHS3). Also called: GLYCOSYLPHOSPHATIDYLINOSITOL BIOSYNTHESIS DEFECT 7. Identifiers: Orphanet 369837, MedGen C3809356, MONDO:0014165, OMIM 615398.

Submission:

Variantyx, Inc.
Classification: Likely pathogenic for Multiple congenital anomalies-hypotonia-seizures syndrome 3. Last evaluated: 2025-09-16. Review status: criteria provided, single submitter. Criteria: Variantyx Assertion Criteria 2022. Collection method: clinical testing. Allele origin: germline. Inheritance: Autosomal recessive inheritance. Affected: no.
Comment: This is a frameshift variant in the PIGT gene (OMIM: 610272). Pathogenic variants in this gene have been associated with autosomal recessive multiple congenital anomalies hypotonia seizures syndrome 3. This variant introduces a premature termination codon in exon 3 out of 12 and is expected to result in loss of function, which is a known disease mechanism for PIGT in this disorder (PMID:23636107;24906948) (PVS1). This variant is absent from control populations (PM2). Based on the current evidence, this variant is classified as likely pathogenic for autosomal recessive multiple congenital anomalies hypotonia seizures syndrome 3.

Literature cited by the submitters: PubMed 23636107; PubMed 24906948.